The following is an entry in ClinVar:

NM_000478.6(ALPL):c.228del (p.Gln76fs)

Gene: ALPL (alkaline phosphatase, biomineralization associated; plus strand). Cytogenetic location: 1p36.12.
Variant type: Deletion.
Coding change: c.228del on transcript NM_000478.6 (MANE Select); coding-DNA position 228, one base deleted (G; older notation c.228delG).
Protein change: p.Gln76fs; shifts the reading frame from glutamine 76.
Molecular consequence: frameshift variant. On other transcripts: intron variant (1).
Genome position (GRCh38, 1-based): chr1:21,561,143, G deleted. VCF-style (leftmost placement, unchanged base first): chr1-21561142-AG-A. GRCh37 (hg19) VCF-style: chr1-21887635-AG-A.
Other names: c.63del, p.Gln21fs (NM_001127501.4); c.228del, p.Gln76fs (NM_001369803.2, NM_001369804.2, NM_001369805.2); c.66+398del (NM_001177520.3); short protein forms Q21fs, Q76fs.
Identifiers: ClinVar variation 4086916 (VCV004086916.1).

ClinVar aggregate classification (germline): Pathogenic (1 of 4 stars; one submission).

Conditions:
Hypophosphatasia. Also called: Phosphoethanol-aminuria. Identifiers: Orphanet 436, MedGen C0020630, MeSH D007014, MONDO:0018570.

Submission:

Genomenon, Inc
Classification: Pathogenic for Hypophosphatasia. Last evaluated: 2025-08-29. Review status: criteria provided, single submitter. Criteria: Genomenon Sequence Variant Interpretation Standards. Collection method: curation. Allele origin: germline. Affected: yes.
Comment: ALPL p.Gln76HisfsTer46 (c.228del) is a frameshift variant that results in the production of a truncated protein which is predicted to undergo nonsense-mediated mRNA decay. This variant has been observed in a proband affected with hypophosphatasia (PMID:28506345). It is absent or not present at a significant frequency in gnomAD. In conclusion, we classify ALPL p.Gln76HisfsTer46 (c.228del) as a pathogenic variant.

Literature cited by the submitters: PubMed 28506345.